The following is an entry in ClinVar:

ClinVar aggregate classification (germline): Likely pathogenic (1 of 4 stars; one submission).

Submission:

Labcorp Genetics (formerly Invitae), Labcorp
Classification: Likely pathogenic. Last evaluated: 2024-12-02. Review status: criteria provided, single submitter. Criteria: Invitae Variant Classification Sherloc (09022015). Collection method: clinical testing. Allele origin: germline.
Comment: This sequence change replaces glycine, which is neutral and non-polar, with aspartic acid, which is acidic and polar, at codon 113 of the NDP protein (p.Gly113Asp). This variant is not present in population databases (gnomAD no frequency). This missense change has been observed in individuals with familial exudative vitreoretinopathy (PMID: 27217716, 31106028, 31299183; internal data). ClinVar contains an entry for this variant (Variation ID: 2138555). Invitae Evidence Modeling of protein sequence and biophysical properties (such as structural, functional, and spatial information, amino acid conservation, physicochemical variation, residue mobility, and thermodynamic stability) has been performed for this missense variant. However, the output from this modeling did not meet the statistical confidence thresholds required to predict the impact of this variant on NDP protein function. This variant disrupts the p.Gly113 amino acid residue in NDP. Other variant(s) that disrupt this residue have been observed in individuals with NDP-related conditions (PMID: 31106028), which suggests that this may be a clinically significant amino acid residue. In summary, the currently available evidence indicates that the variant is pathogenic, but additional data are needed to prove that conclusively. Therefore, this variant has been classified as Likely Pathogenic.

Literature cited by the submitters: PubMed 27217716; PubMed 31106028; PubMed 31299183.

NM_000266.4(NDP):c.338G>A (p.Gly113Asp)

Genes: NDP-AS1 (NDP antisense RNA 1; plus strand), NDP (norrin cystine knot growth factor NDP; minus strand). Cytogenetic location: Xp11.3.
Variant type: single nucleotide variant.
Coding change: c.338G>A on transcript NM_000266.4 (MANE Select); coding-DNA position 338, G replaced by A.
Protein change: p.Gly113Asp; replaces glycine 113 with aspartic acid.
Molecular consequence: missense variant. On other transcripts: non-coding transcript variant (1).
Genome position (GRCh38, 1-based): chrX:43,949,863, C>T on the plus strand (G>A on the coding strand, the complement: NDP is on the minus strand). VCF-style: chrX-43949863-C-T. GRCh37 (hg19) VCF-style: chrX-43809109-C-T.
Other names: short protein forms G113D.
Identifiers: ClinVar variation 2138555 (VCV002138555.4), dbSNP rs1048545964, ClinGen allele CA413007369.